The following is an entry in ClinVar:

NC_000009.11:g.(?_117044259)_(117046337_?)del

Gene: COL27A1 (collagen type XXVII alpha 1 chain; plus strand). Cytogenetic location: 9q32.
Variant type: Deletion.
Identifiers: ClinVar variation 1514157 (VCV001514157.4).

ClinVar aggregate classification (germline): Likely pathogenic (1 of 4 stars; one submission).

Submission:

Labcorp Genetics (formerly Invitae), Labcorp
Classification: Likely pathogenic. Last evaluated: 2021-10-13. Review status: criteria provided, single submitter. Criteria: Invitae Variant Classification Sherloc (09022015). Collection method: clinical testing. Allele origin: germline.
Comment: In summary, the currently available evidence indicates that the variant is pathogenic, but additional data are needed to prove that conclusively. Therefore, this variant has been classified as Likely Pathogenic. This variant has not been reported in the literature in individuals affected with COL27A1-related conditions. This sequence change is a complex rearrangement involving exons 38-40 of the COL27A1 gene. Although the exact nature of the event is unknown, it likely involves partial deletion and/or inversion of these exons.